The following is an entry in ClinVar:

NM_004612.4(TGFBR1):c.1256-3C>T

Gene: TGFBR1 (transforming growth factor beta receptor 1; plus strand). Cytogenetic location: 9q22.33.
Variant type: single nucleotide variant.
Coding change: c.1256-3C>T on transcript NM_004612.4 (MANE Select); 3 bases into the intron before coding-DNA position 1256, C replaced by T.
Molecular consequence: intron variant.
Genome position (GRCh38, 1-based): chr9:99,147,651, C>T. VCF-style: chr9-99147651-C-T. GRCh37 (hg19) VCF-style: chr9-101909933-C-T.
Other names: c.1256-3C>T (NM_004612.3); c.1268-3C>T (NM_001306210.2); c.1025-3C>T (NM_001130916.3).
Identifiers: ClinVar variation 1512054 (VCV001512054.12), dbSNP rs755431191, ClinGen allele CA040272.

ClinVar aggregate classification (germline): Conflicting classifications of pathogenicity. Review status: criteria provided, conflicting classifications (1 of 4 stars). 6 submissions from 6 submitters: Uncertain significance (2); Likely benign (3). 1 of the submissions does not count toward it. Last evaluated 2025-11-10.

Conditions:
TGFBR1-related disorder. Also called: TGFBR1-related condition.
Familial thoracic aortic aneurysm and aortic dissection (TAAD). Also called: Thoracic aortic aneurysms and dissections. Identifiers: Orphanet 91387, MedGen C4707243, MONDO:0019625.
Loeys-Dietz syndrome (LDS). Identifiers: Orphanet 60030, MedGen C2697932, MONDO:0018954.
Multiple self-healing squamous epithelioma (MSSE). Also called: MULTIPLE SELF-HEALING SQUAMOUS EPITHELIOMA, SUSCEPTIBILITY TO. Identifiers: Orphanet 65748, MedGen C0546476, MONDO:0007566, OMIM 132800.
Loeys-Dietz syndrome 1 (LDS1). Also called: FURLONG SYNDROME; AORTIC ANEURYSM, FAMILIAL THORACIC 5; TGFBR1-Related Loeys-Dietz Syndrome. Identifiers: Orphanet 60030, MedGen C4551955, MONDO:0012212, OMIM 609192.

Allele frequency attached by ClinVar (database versions not stated): gnomAD exomes below 0.00001 and 0.00001; TOPMed below 0.00001; ExAC 0.00001; gnomAD 0.00001 and 0.00002.
gnomAD v4.1: 20 of 1,612,622 alleles (0.0012%); highest among the groups gnomAD compares: Middle Eastern, 0.26%; no homozygotes.

Submissions (6):

Labcorp Genetics (formerly Invitae), Labcorp
Classification: Uncertain significance for Familial thoracic aortic aneurysm and aortic dissection. Last evaluated: 2025-11-10. Review status: criteria provided, single submitter. Criteria: Invitae Variant Classification Sherloc (09022015). Collection method: clinical testing. Allele origin: germline.
Comment: This sequence change falls in intron 7 of the TGFBR1 gene. It does not directly change the encoded amino acid sequence of the TGFBR1 protein. It affects a nucleotide within the consensus splice site. This variant is present in population databases (rs755431191, gnomAD 0.0009%). This variant has not been reported in the literature in individuals affected with TGFBR1-related conditions. ClinVar contains an entry for this variant (Variation ID: 1512054). Variants that disrupt the consensus splice site are a relatively common cause of aberrant splicing (PMID: 17576681, 9536098). Algorithms developed to predict the effect of sequence changes on RNA splicing suggest that this variant is not likely to affect RNA splicing. In summary, the available evidence is currently insufficient to determine the role of this variant in disease. Therefore, it has been classified as a Variant of Uncertain Significance.

Blueprint Genetics
Classification: Likely benign. Last evaluated: 2024-04-08. Review status: criteria provided, single submitter. Criteria: ACMG Guidelines, 2015. Collection method: clinical testing. Allele origin: germline.

Fulgent Genetics
Classification: Uncertain significance for Multiple self-healing squamous epithelioma; Loeys-Dietz syndrome 1. Last evaluated: 2024-01-03. Review status: criteria provided, single submitter. Criteria: ACMG Guidelines, 2015. Collection method: clinical testing. Allele origin: germline.

All of Us Research Program, National Institutes of Health
Classification: Likely benign for Loeys-Dietz syndrome. Last evaluated: 2023-08-15. Review status: criteria provided, single submitter. Criteria: ACMG Guidelines, 2015. Collection method: clinical testing. Allele origin: germline. Inheritance: Autosomal dominant inheritance. Observed: 1 variant allele, 1 heterozygote.
Comment: This study involves interpretation of variants in research participants for the purpose of population health screening. Participant phenotype was not available at the time of variant classification. Additional details can be found in publication PMID: 35346344, PMCID: PMC8962531

Color Diagnostics, LLC DBA Color Health
Classification: Likely benign for Familial thoracic aortic aneurysm and aortic dissection. Last evaluated: 2023-07-27. Review status: criteria provided, single submitter. Criteria: ACMG Guidelines, 2015. Collection method: clinical testing. Allele origin: germline.

PreventionGenetics, part of Exact Sciences
Classification: Likely benign for TGFBR1-related condition. Last evaluated: 2023-01-27. Review status: no assertion criteria provided. Collection method: clinical testing. Allele origin: germline. Not counted in ClinVar's aggregate classification.
Comment: This variant is classified as likely benign based on ACMG/AMP sequence variant interpretation guidelines (Richards et al. 2015 PMID: 25741868, with internal and published modifications).

Literature cited by the submitters: PubMed 17576681 (cited by Labcorp Genetics (formerly Invitae), Labcorp); PubMed 9536098 (cited by Labcorp Genetics (formerly Invitae), Labcorp).